The following is an entry in ClinVar:

ClinVar aggregate classification (germline): Uncertain significance (1 of 4 stars; one submission).

Conditions:
Combined oxidative phosphorylation defect type 17. Also called: Combined oxidative phosphorylation deficiency 17. Identifiers: Orphanet 369913, MedGen C3809526, MONDO:0014190, OMIM 615440.

Submission:

Labcorp Genetics (formerly Invitae), Labcorp
Classification: Uncertain significance for Combined oxidative phosphorylation defect type 17. Last evaluated: 2025-02-27. Review status: criteria provided, single submitter. Criteria: Invitae Variant Classification Sherloc (09022015). Collection method: clinical testing. Allele origin: germline.
Comment: This variant, c.2464_2466del, results in the deletion of 1 amino acid(s) of the ELAC2 protein (p.Lys822del), but otherwise preserves the integrity of the reading frame. This variant is present in population databases (rs776429479, gnomAD 0.007%). This variant has not been reported in the literature in individuals affected with ELAC2-related conditions. Experimental studies and prediction algorithms are not available or were not evaluated, and the functional significance of this variant is currently unknown. Algorithms developed to predict the effect of sequence changes on RNA splicing suggest that this variant may create or strengthen a splice site. In summary, the available evidence is currently insufficient to determine the role of this variant in disease. Therefore, it has been classified as a Variant of Uncertain Significance.

NM_018127.7(ELAC2):c.2461AAG[1] (p.Lys822del)

Gene: ELAC2 (elaC ribonuclease Z 2; minus strand). Cytogenetic location: 17p12.
Variant type: Microsatellite.
Coding change: c.2461AAG[1] on transcript NM_018127.7 (MANE Select); one copy of the 3-base unit AAG starting at c.2461; the reference has two copies in a row; one copy, 3 bases deleted.
Protein change: p.Lys822del; deletes lysine 822.
Genome position (GRCh38, 1-based): chr17:12,992,833-12,992,835, CTT deleted on the plus strand (AAG on the coding strand, the reverse complement: ELAC2 is on the minus strand); deleting any 3 consecutive bases within chr17:12,992,833-12,992,838 gives the same sequence; the position shown is the placement nearest the transcript's 3' end. VCF-style (leftmost placement, unchanged base first): chr17-12992832-CCTT-C. GRCh37 (hg19) VCF-style: chr17-12896149-CCTT-C.
Other names: c.2341AAG[1], p.Lys782del (NM_001165962.2); c.2458AAG[1], p.Lys821del (NM_173717.2); short protein forms K821del, K782del, K822del.
Identifiers: ClinVar variation 4773584 (VCV004773584.1).